The following is an entry in ClinVar:

ClinVar aggregate classification (germline): Likely benign. Review status: criteria provided, multiple submitters, no conflicts (2 of 4 stars). 2 submissions from 2 submitters: Likely benign (2). Last evaluated 2026-04-07.

Conditions:
Hereditary sensory neuropathy-deafness-dementia syndrome. Also called: NEUROPATHY, HEREDITARY SENSORY, WITH HEARING LOSS AND DEMENTIA; Hereditary sensory neuropathy type IE; HSN IE; Hereditary Sensory and Autonomic Neuropathy Type 1E (HSAN1E). Identifiers: Orphanet 456318, MedGen C3279885, MONDO:0013584, OMIM 614116.
DNMT1-related disorder. Also called: DNMT1-related condition. Identifiers: MedGen CN381527.

Allele frequency attached by ClinVar (database versions not stated): gnomAD exomes below 0.00001 and 0.00001; gnomAD 0.00001; TOPMed 0.00002.
gnomAD v4.1: 4 of 1,581,848 alleles (0.00025%); highest among the groups gnomAD compares: African/African-American, 0.004%; no homozygotes.

Submissions (2):

PreventionGenetics, part of Exact Sciences
Classification: Likely benign for DNMT1-related condition. Last evaluated: 2026-04-07. Review status: criteria provided, single submitter. Criteria: ACMG Guidelines, 2015. Collection method: clinical testing. Allele origin: germline.
Comment: This variant is classified as likely benign based on ACMG/AMP sequence variant interpretation guidelines (Richards et al. 2015 PMID: 25741868, with internal and published modifications).

Labcorp Genetics (formerly Invitae), Labcorp
Classification: Likely benign for Hereditary sensory neuropathy-deafness-dementia syndrome. Last evaluated: 2020-11-18. Review status: criteria provided, single submitter. Criteria: Invitae Variant Classification Sherloc (09022015). Collection method: clinical testing. Allele origin: germline.

NM_001130823.3(DNMT1):c.3816C>T (p.Asp1272=)

Gene: DNMT1 (DNA methyltransferase 1; minus strand). Cytogenetic location: 19p13.2.
Variant type: single nucleotide variant.
Coding change: c.3816C>T on transcript NM_001130823.3 (MANE Select); coding-DNA position 3816, C replaced by T.
Protein change: p.Asp1272=; no amino-acid change (aspartic acid 1272 retained).
Molecular consequence: synonymous variant.
Genome position (GRCh38, 1-based): chr19:10,139,808, G>A on the plus strand (C>T on the coding strand, the complement: DNMT1 is on the minus strand). VCF-style: chr19-10139808-G-A. GRCh37 (hg19) VCF-style: chr19-10250484-G-A.
Other names: c.3768C>T, p.Asp1256= (NM_001318730.2, NM_001379.4); c.3453C>T, p.Asp1151= (NM_001318731.2); c.3816C>T (NM_001130823.2).
Identifiers: ClinVar variation 760361 (VCV000760361.9), dbSNP rs1462626927, ClinGen allele CA505381085.
Genomic context (GRCh38, chr19:10,139,808, plus strand): 5'-GCGCTTGAAGGAGACAAAGTTCCTGACATTCTCCAGGAGGAAGAACCGGGGCCGGTAGTA[G>A]TCGCAGTAGCTGTAGGGGGCAGGAGAGACTGCAGGAGTCACCTCCACAGACAGAGGGAAG-3'
Protein context (NP_001124295.1, residues 1262-1282): SLVVSFLSYC[Asp1272=]YYRPRFFLLE